The following is an entry in ClinVar:

ClinVar aggregate classification (germline): Uncertain significance. Review status: reviewed by expert panel (3 of 4 stars). 4 submissions from 4 submitters: Uncertain significance (1). 3 of the submissions do not count toward it. Last evaluated 2025-09-26.

Conditions:
HNF1A-related disorder. Also called: HNF1A-related condition.
Monogenic diabetes. Identifiers: Orphanet 183625, MedGen C3888631, MONDO:0015967.

Allele frequency attached by ClinVar (database versions not stated): gnomAD 0.00001 and 0.00002; gnomAD exomes 0.00001; TOPMed 0.00001.
gnomAD v4.1: 7 of 615,748 alleles (0.0011%); highest among the groups gnomAD compares: Non-Finnish European, 0.002%; no homozygotes.

Submissions (4):

ClinGen Monogenic Diabetes Variant Curation Expert Panel
Classification: Uncertain significance for Monogenic diabetes. Last evaluated: 2025-09-26. Review status: reviewed by expert panel. Criteria: ClinGen Diabetes ACMG Specifications HNF1A V3.0.0. Collection method: curation. Allele origin: germline. Inheritance: Autosomal dominant inheritance.
Comment: The c.-218T>C variant in the HNF1 homeobox 1 gene, HNF1A gene, is a single nucleotide variant within the promoter region of NM_000545.8. This variant is located within the overlapping HNF3 and NF-Y sites (c.-209 to c.-227) of HNF1A, which is defined as critical for the protein’s function by the ClinGen MDEP (PM1_Supporting). The frequency of the c.-218T>C variant in gnomAD v4.1.0 is 0.00000941, which falls between ClinGen MDEP-established cutoffs for PM2_Supporting and BS1; thus, neither criterion will be applied. This variant was identified in five unrelated individuals with non- autoimmune and non-absolute/near-absolute insulin-deficient diabetes (internal lab contributors); however, PS4 cannot be applied because the gnomAD v4.1. Grpmax is above the ClinGen MDEP-established cutoffs for PM2_Supporting. One of these individuals did have a clinical history highly specific for HNF1A-MODY (MODY probability calculator result >50%, negative genetic testing for HNF4A, and sulfonylurea responsive) (PP4_Moderate; internal lab contributor). Functional studies demonstrated the variant has transactivation activity at 70% of wildtype, suggesting that this variant does not impact protein function; however, sufficient controls were not used per MDEP guidelines, and therefore BS3 cannot be applied (PMID: 10649494). Taken together, this evidence supports the classification of this variant as a variant of uncertain significance. ACMP/AMP criteria applied, as specified by the ClinGen MDEP VCEP (specification version 3.0.0; approved 6/30/2025): PM1_Supporting, PP4_Moderate

Women's Health and Genetics/Laboratory Corporation of America, LabCorp
Classification: Uncertain significance. Last evaluated: 2024-09-03. Review status: criteria provided, single submitter. Criteria: LabCorp Variant Classification Summary - May 2015. Collection method: clinical testing. Allele origin: germline. Not counted in ClinVar's aggregate classification.
Comment: Variant summary: HNF1A c.-218T>C is located in the untranslated mRNA region upstream of the initiation codon. The variant allele was found at a frequency of 1.1e-05 in 615748 control chromosomes, predominantly at a frequency of 1.1e-05 within the Non-Finnish European subpopulation in the gnomAD database. The available data on variant occurrences in the general population are insufficient to allow any conclusion about variant significance. c.-218T>C has been reported in the literature in at least 1 individual affected with Maturity Onset Diabetes Of The Young 3 (example, Godart_2000). These data do not allow any conclusion about variant significance. At least one publication reports experimental evidence evaluating an impact on gene expression. The most pronounced variant effect results in >50%-90% of normal gene expression in vitro (example, Godart_2000). The following publication have been ascertained in the context of this evaluation (PMID: 10649494). ClinVar contains an entry for this variant (Variation ID: 1327603). Based on the evidence outlined above, the variant was classified as uncertain significance.

Blueprint Genetics
Classification: Uncertain significance. Last evaluated: 2023-04-05. Review status: criteria provided, single submitter. Criteria: ACMG Guidelines, 2015. Collection method: clinical testing. Allele origin: germline. Not counted in ClinVar's aggregate classification.

PreventionGenetics, part of Exact Sciences
Classification: Uncertain significance for HNF1A-related condition. Last evaluated: 2024-08-27. Review status: no assertion criteria provided. Collection method: clinical testing. Allele origin: germline. Not counted in ClinVar's aggregate classification.
Comment: The HNF1A c.-218T>C variant is located in the 5' untranslated region. This variant has been previously reported in one individual with maturity onset diabetes of the young (MODY) (Godart et al. 2000. PubMed ID: 10649494). An in vitro assay found that the c.-218T>C variant had a roughly 30% reduction in transcriptional activity compared to a wild-type construct (Godart et al 2000. PubMed ID: 10649494). However, no family studies were performed to help assess the pathogenicity of this variant. This variant is reported in 0.0065% of alleles in individuals of European (Non-Finnish) descent in gnomAD. This variant is classified as uncertain significance by ClinGen Monogenic Diabetes Variant Curation Expert Panel. At this time, the clinical significance of this variant is uncertain due to the absence of conclusive functional and genetic evidence.

Literature cited by the submitters: PubMed 10649494 (cited by ClinGen Monogenic Diabetes Variant Curation Expert Panel and Women's Health and Genetics/Laboratory Corporation of America, LabCorp).

NM_000545.8(HNF1A):c.-218T>C

Gene: HNF1A (HNF1 homeobox A; plus strand). Cytogenetic location: 12q24.31.
Variant type: single nucleotide variant.
Coding change: c.-218T>C on transcript NM_000545.8 (MANE Select); 218 bases upstream of the start codon, T replaced by C.
Molecular consequence: 5 prime UTR variant.
Genome position (GRCh38, 1-based): chr12:120,978,551, T>C. VCF-style: chr12-120978551-T-C. GRCh37 (hg19) VCF-style: chr12-121416354-T-C.
Other names: NM_001306179.2:c.-218T>C; c.-218T>C (NM_001306179.2).
Identifiers: ClinVar variation 1327603 (VCV001327603.8), dbSNP rs1024131753, ClinGen allele CA244520160.